The following is an entry in ClinVar:

NM_001287.6(CLCN7):c.141+8C>G

Genes: CLCN7 (Cl-/H+ antiporter 7; minus strand), LOC130058166 (ATAC-STARR-seq lymphoblastoid silent region 6986; plus strand). Cytogenetic location: 16p13.3.
Variant type: single nucleotide variant.
Coding change: c.141+8C>G on transcript NM_001287.6 (MANE Select); 8 bases into the intron after coding-DNA position 141, C replaced by G.
Molecular consequence: intron variant.
Genome position (GRCh38, 1-based): chr16:1,474,826, G>C on the plus strand (C>G on the coding strand, the complement: CLCN7 is on the minus strand). VCF-style: chr16-1474826-G-C. GRCh37 (hg19) VCF-style: chr16-1524827-G-C.
Other names: c.141+8C>G (NM_001114331.3).
Identifiers: ClinVar variation 736774 (VCV000736774.16), dbSNP rs11861560, ClinGen allele CA276630004.

ClinVar aggregate classification (germline): Conflicting classifications of pathogenicity. Review status: criteria provided, conflicting classifications (1 of 4 stars). 4 submissions from 4 submitters: Uncertain significance (1); Likely benign (2). 1 of the submissions does not count toward it. Last evaluated 2026-01-13.

Conditions:
CLCN7-related disorder. Also called: CLCN7-related condition.
Osteopetrosis. Identifiers: Orphanet 2781, MedGen C0029454, MONDO:0017198, HP:0011002.

Allele frequency attached by ClinVar (database versions not stated): gnomAD exomes 0.00005; gnomAD 0.00136; TOPMed 0.00184; 1000 Genomes Project 30x 0.00187.
gnomAD v4.1: 416 of 1,339,572 alleles (0.031%); highest among the groups gnomAD compares: African/African-American, 0.59%; 2 homozygotes.

Submissions (4):

Labcorp Genetics (formerly Invitae), Labcorp
Classification: Likely benign. Last evaluated: 2026-01-13. Review status: criteria provided, single submitter. Criteria: Invitae Variant Classification Sherloc (09022015). Collection method: clinical testing. Allele origin: germline.

Blueprint Genetics
Classification: Likely benign. Last evaluated: 2024-08-06. Review status: criteria provided, single submitter. Criteria: ACMG Guidelines, 2015. Collection method: clinical testing. Allele origin: germline.

Illumina Laboratory Services, Illumina
Classification: Uncertain significance for Osteopetrosis. Last evaluated: 2017-04-27. Review status: criteria provided, single submitter. Criteria: ICSL Variant Classification Criteria 13 December 2019. Collection method: clinical testing. Allele origin: germline.

PreventionGenetics, part of Exact Sciences
Classification: Likely benign for CLCN7-related condition. Last evaluated: 2024-03-05. Review status: no assertion criteria provided. Collection method: clinical testing. Allele origin: germline. Not counted in ClinVar's aggregate classification.
Comment: This variant is classified as likely benign based on ACMG/AMP sequence variant interpretation guidelines (Richards et al. 2015 PMID: 25741868, with internal and published modifications).